The following is an entry in ClinVar:

ClinVar aggregate classification (germline): Uncertain significance. Review status: criteria provided, multiple submitters, no conflicts (2 of 4 stars). 2 submissions from 2 submitters: Uncertain significance (2). Last evaluated 2024-12-31.

Conditions:
Inborn genetic diseases. Identifiers: MedGen C0950123, MeSH D030342.

Submissions (2):

Ambry Genetics
Classification: Uncertain significance for Inborn genetic diseases. Last evaluated: 2024-12-31. Review status: criteria provided, single submitter. Criteria: Ambry Variant Classification Scheme 2023. Collection method: clinical testing. Allele origin: germline.

Labcorp Genetics (formerly Invitae), Labcorp
Classification: Uncertain significance. Last evaluated: 2024-01-04. Review status: criteria provided, single submitter. Criteria: Invitae Variant Classification Sherloc (09022015). Collection method: clinical testing. Allele origin: germline.
Comment: This sequence change replaces cysteine, which is neutral and slightly polar, with arginine, which is basic and polar, at codon 212 of the TRPV6 protein (p.Cys212Arg). This variant is not present in population databases (gnomAD no frequency). This variant has not been reported in the literature in individuals affected with TRPV6-related conditions. Experimental studies and prediction algorithms are not available or were not evaluated, and the functional significance of this variant is currently unknown. In summary, the available evidence is currently insufficient to determine the role of this variant in disease. Therefore, it has been classified as a Variant of Uncertain Significance.

NM_018646.6(TRPV6):c.634T>C (p.Cys212Arg)

Gene: TRPV6 (transient receptor potential cation channel subfamily V member 6; minus strand). Cytogenetic location: 7q34.
Variant type: single nucleotide variant.
Coding change: c.634T>C on transcript NM_018646.6 (MANE Select); coding-DNA position 634, T replaced by C.
Protein change: p.Cys212Arg; replaces cysteine 212 with arginine.
Molecular consequence: missense variant.
Genome position (GRCh38, 1-based): chr7:142,876,811, A>G on the plus strand (T>C on the coding strand, the complement: TRPV6 is on the minus strand). VCF-style: chr7-142876811-A-G. GRCh37 (hg19) VCF-style: chr7-142574564-A-G.
Other names: c.514T>C (NM_018646.2); short protein forms C212R.
Identifiers: ClinVar variation 2762325 (VCV002762325.4), dbSNP rs771455401, ClinGen allele CA168191720.